The following is an entry in ClinVar:

ClinVar aggregate classification (germline): Uncertain significance (1 of 4 stars; one submission).

Conditions:
Ehlers-Danlos syndrome, classic type, 1 (EDSCL1). Also called: EHLERS-DANLOS SYNDROME, GRAVIS TYPE; EHLERS-DANLOS SYNDROME, SEVERE CLASSIC TYPE; Ehlers-Danlos syndrome, type 1; EDS I; Ehlers-Danlos Syndrome, Classic Type, COL5A1-Related. Identifiers: MedGen C0268335, MONDO:0019567, OMIM 130000.
Osteogenesis imperfecta type I (OI1). Also called: OI, TYPE I; OSTEOGENESIS IMPERFECTA TARDA; OSTEOGENESIS IMPERFECTA WITH BLUE SCLERAE; Osteogenesis imperfecta type 1; Lobstein's Disease; Lobstein disease. Identifiers: Orphanet 216796, Orphanet 666, MedGen C0023931, MONDO:0008146, OMIM 166200. Disease mechanism: loss of function.

gnomAD v4.1: 3 of 1,613,368 alleles (0.00019%); highest among the groups gnomAD compares: Admixed American, 0.0033%; no homozygotes.

Submission:

Labcorp Genetics (formerly Invitae), Labcorp
Classification: Uncertain significance for Osteogenesis imperfecta type I; Ehlers-Danlos syndrome, classic type, 1. Last evaluated: 2022-06-14. Review status: criteria provided, single submitter. Criteria: Invitae Variant Classification Sherloc (09022015). Collection method: clinical testing. Allele origin: germline.
Comment: This variant is present in population databases (rs764064979, gnomAD 0.006%). In summary, the available evidence is currently insufficient to determine the role of this variant in disease. Therefore, it has been classified as a Variant of Uncertain Significance. Advanced modeling of protein sequence and biophysical properties (such as structural, functional, and spatial information, amino acid conservation, physicochemical variation, residue mobility, and thermodynamic stability) performed at Invitae indicates that this missense variant is not expected to disrupt COL1A2 protein function. This variant has not been reported in the literature in individuals affected with COL1A2-related conditions. This sequence change replaces proline, which is neutral and non-polar, with histidine, which is basic and polar, at codon 49 of the COL1A2 protein (p.Pro49His).

NM_000089.4(COL1A2):c.146C>A (p.Pro49His)

Gene: COL1A2 (collagen type I alpha 2 chain; plus strand). Cytogenetic location: 7q21.3.
Variant type: single nucleotide variant.
Coding change: c.146C>A on transcript NM_000089.4 (MANE Select); coding-DNA position 146, C replaced by A.
Protein change: p.Pro49His; replaces proline 49 with histidine.
Molecular consequence: missense variant.
Genome position (GRCh38, 1-based): chr7:94,400,209, C>A. VCF-style: chr7-94400209-C-A. GRCh37 (hg19) VCF-style: chr7-94029521-C-A.
Other names: short protein forms P49H.
Identifiers: ClinVar variation 1956331 (VCV001956331.5), dbSNP rs764064979, ClinGen allele CA4346535.